The following is an entry in ClinVar:

NM_000135.4(FANCA):c.385G>T (p.Ala129Ser)

Gene: FANCA (FA complementation group A; minus strand). Cytogenetic location: 16q24.3.
Variant type: single nucleotide variant.
Coding change: c.385G>T on transcript NM_000135.4 (MANE Select); coding-DNA position 385, G replaced by T.
Protein change: p.Ala129Ser; replaces alanine 129 with serine.
Molecular consequence: missense variant.
Genome position (GRCh38, 1-based): chr16:89,810,970, C>A on the plus strand (G>T on the coding strand, the complement: FANCA is on the minus strand). VCF-style: chr16-89810970-C-A. GRCh37 (hg19) VCF-style: chr16-89877378-C-A.
Other names: c.385G>T (NM_000135.3, NM_000135.2); c.385G>T, p.Ala129Ser (NM_001018112.3, NM_001286167.3, NM_001351830.2); short protein forms A129S.
Identifiers: ClinVar variation 1394231 (VCV001394231.8), dbSNP rs374945563, ClinGen allele CA8253043.
Genomic context (GRCh38, chr16:89,810,970, plus strand): 5'-ATCTTTGCTGGTGTCTTACTCTCTGCTCCACAGTCAGCAGCACAGGGTGACTGGTCTCCG[C>A]TGGAGCCGTGCAGATCTGTCCCACGCTAGAGGCAACCATCCCGGCTGAGAGAATACCCAC-3'
Protein context (NP_000126.2, residues 119-139): SSVGQICTAP[Ala129Ser]ETSHPVLLTV

ClinVar aggregate classification (germline): Uncertain significance. Review status: criteria provided, multiple submitters, no conflicts (2 of 4 stars). 3 submissions from 3 submitters: Uncertain significance (3). Last evaluated 2026-01-26.

Conditions:
Fanconi anemia (FA). Also called: Fanconi's anemia. Identifiers: Orphanet 84, MedGen C0015625, MeSH D005199, MONDO:0019391.
Inborn genetic diseases. Identifiers: MedGen C0950123, MeSH D030342.

Allele frequency attached by ClinVar (database versions not stated): gnomAD exomes below 0.00001 and 0.00001; ExAC 0.00002; TOPMed 0.00002; gnomAD 0.00003; ESP Exome Variant Server 0.00008.

Submissions (3):

Ambry Genetics
Classification: Uncertain significance for Inborn genetic diseases. Last evaluated: 2026-01-26. Review status: criteria provided, single submitter. Criteria: Ambry Variant Classification Scheme 2023. Collection method: clinical testing. Allele origin: germline.

Quest Diagnostics Nichols Institute San Juan Capistrano
Classification: Uncertain significance. Last evaluated: 2025-06-05. Review status: criteria provided, single submitter. Criteria: Quest Diagnostics criteria. Collection method: clinical testing. Allele origin: unknown.
Comment: The FANCA c.385G>T (p.Ala129Ser) variant has not been reported in individuals with FANCA-related conditions in the published literature. The frequency of this variant in the general population (Genome Aggregation Database) is uninformative in the assessment of its pathogenicity. Analysis of this variant using bioinformatics tools for the prediction of the effect of amino acid changes on protein structure and function yielded predictions that this variant is benign. Based on the available information, we are unable to determine the clinical significance of this variant.

Labcorp Genetics (formerly Invitae), Labcorp
Classification: Uncertain significance for Fanconi anemia. Last evaluated: 2022-07-14. Review status: criteria provided, single submitter. Criteria: Invitae Variant Classification Sherloc (09022015). Collection method: clinical testing. Allele origin: germline.
Comment: This sequence change replaces alanine, which is neutral and non-polar, with serine, which is neutral and polar, at codon 129 of the FANCA protein (p.Ala129Ser). This variant is present in population databases (rs374945563, gnomAD 0.01%). This variant has not been reported in the literature in individuals affected with FANCA-related conditions. ClinVar contains an entry for this variant (Variation ID: 1394231). Advanced modeling of protein sequence and biophysical properties (such as structural, functional, and spatial information, amino acid conservation, physicochemical variation, residue mobility, and thermodynamic stability) performed at Invitae indicates that this missense variant is not expected to disrupt FANCA protein function. In summary, the available evidence is currently insufficient to determine the role of this variant in disease. Therefore, it has been classified as a Variant of Uncertain Significance.